The following is an entry in ClinVar:

NM_002432.3(MNDA):c.1022T>C (p.Ile341Thr)

Gene: MNDA (myeloid cell nuclear differentiation antigen; plus strand). Cytogenetic location: 1q23.1.
Variant type: single nucleotide variant.
Coding change: c.1022T>C on transcript NM_002432.3 (MANE Select); coding-DNA position 1022, T replaced by C.
Protein change: p.Ile341Thr; replaces isoleucine 341 with threonine.
Molecular consequence: missense variant.
Genome position (GRCh38, 1-based): chr1:158,847,762, T>C. VCF-style: chr1-158847762-T-C. GRCh37 (hg19) VCF-style: chr1-158817552-T-C.
Other names: short protein forms I341T.
Identifiers: ClinVar variation 1764497 (VCV001764497.3), dbSNP rs1463670578, ClinGen allele CA343043792.

ClinVar aggregate classification (germline): Uncertain significance (1 of 4 stars; one submission).

Allele frequency attached by ClinVar (database versions not stated): TOPMed below 0.00001.

Submission:

Ambry Genetics
Classification: Uncertain significance. Last evaluated: 2024-11-01. Review status: criteria provided, single submitter. Criteria: Ambry Variant Classification Scheme 2023. Collection method: clinical testing. Allele origin: germline.
Comment: The p.I341T variant (also known as c.1022T>C), located in coding exon 5 of the MNDA gene, results from a T to C substitution at nucleotide position 1022. The isoleucine at codon 341 is replaced by threonine, an amino acid with similar properties. This amino acid position is conserved. In addition, the in silico prediction for this alteration is inconclusive. Since supporting evidence is limited at this time, the clinical significance of this alteration remains unclear.